The following is an entry in ClinVar:

NM_005984.5(SLC25A1):c.94+3G>C

Gene: SLC25A1 (solute carrier family 25 member 1; minus strand). Cytogenetic location: 22q11.21.
Variant type: single nucleotide variant.
Coding change: c.94+3G>C on transcript NM_005984.5 (MANE Select); 3 bases into the intron after coding-DNA position 94, G replaced by C.
Molecular consequence: intron variant.
Genome position (GRCh38, 1-based): chr22:19,178,577, C>G on the plus strand (G>C on the coding strand, the complement: SLC25A1 is on the minus strand). VCF-style: chr22-19178577-C-G. GRCh37 (hg19) VCF-style: chr22-19166090-C-G.
Identifiers: ClinVar variation 2166047 (VCV002166047.3), dbSNP rs1301368935, ClinGen allele CA751418791.

ClinVar aggregate classification (germline): Uncertain significance (1 of 4 stars; one submission).

gnomAD v4.1: 3 of 1,226,086 alleles (0.00024%); highest among the groups gnomAD compares: Non-Finnish European, 0.0003%; no homozygotes.

Submission:

Labcorp Genetics (formerly Invitae), Labcorp
Classification: Uncertain significance. Last evaluated: 2025-02-03. Review status: criteria provided, single submitter. Criteria: Invitae Variant Classification Sherloc (09022015). Collection method: clinical testing. Allele origin: germline.
Comment: This sequence change falls in intron 1 of the SLC25A1 gene. It does not directly change the encoded amino acid sequence of the SLC25A1 protein. It affects a nucleotide within the consensus splice site. This variant is not present in population databases (gnomAD no frequency). This variant has not been reported in the literature in individuals affected with SLC25A1-related conditions. ClinVar contains an entry for this variant (Variation ID: 2166047). Variants that disrupt the consensus splice site are a relatively common cause of aberrant splicing (PMID: 17576681, 9536098). Algorithms developed to predict the effect of sequence changes on RNA splicing suggest that this variant may disrupt the consensus splice site. In summary, the available evidence is currently insufficient to determine the role of this variant in disease. Therefore, it has been classified as a Variant of Uncertain Significance.

Literature cited by the submitters: PubMed 17576681; PubMed 9536098.